The following is an entry in ClinVar:

ClinVar aggregate classification (germline): Uncertain significance (1 of 4 stars; one submission).

Allele frequency attached by ClinVar (database versions not stated): gnomAD exomes below 0.00001; TOPMed 0.00002; gnomAD 0.00005.
gnomAD v4.1: 14 of 1,614,072 alleles (0.00087%); highest among the groups gnomAD compares: African/African-American, 0.012%; no homozygotes.

Submission:

Labcorp Genetics (formerly Invitae), Labcorp
Classification: Uncertain significance. Last evaluated: 2023-08-07. Review status: criteria provided, single submitter. Criteria: Invitae Variant Classification Sherloc (09022015). Collection method: clinical testing. Allele origin: germline.
Comment: In summary, the available evidence is currently insufficient to determine the role of this variant in disease. Therefore, it has been classified as a Variant of Uncertain Significance. Advanced modeling of protein sequence and biophysical properties (such as structural, functional, and spatial information, amino acid conservation, physicochemical variation, residue mobility, and thermodynamic stability) performed at Invitae indicates that this missense variant is not expected to disrupt KCNQ5 protein function. ClinVar contains an entry for this variant (Variation ID: 2124444). This variant has not been reported in the literature in individuals affected with KCNQ5-related conditions. This variant is present in population databases (no rsID available, gnomAD 0.01%). This sequence change replaces alanine, which is neutral and non-polar, with threonine, which is neutral and polar, at codon 912 of the KCNQ5 protein (p.Ala912Thr).

NM_019842.4(KCNQ5):c.2677G>A (p.Ala893Thr)

Gene: KCNQ5 (potassium voltage-gated channel subfamily Q member 5; plus strand). Cytogenetic location: 6q13.
Variant type: single nucleotide variant.
Coding change: c.2677G>A on transcript NM_019842.4 (MANE Select); coding-DNA position 2677, G replaced by A.
Protein change: p.Ala893Thr; replaces alanine 893 with threonine.
Molecular consequence: missense variant.
Genome position (GRCh38, 1-based): chr6:73,195,292, G>A. VCF-style: chr6-73195292-G-A. GRCh37 (hg19) VCF-style: chr6-73905015-G-A.
Other names: c.2650G>A, p.Ala884Thr (NM_001160130.2); c.2707G>A, p.Ala903Thr (NM_001160132.2); c.2734G>A, p.Ala912Thr (NM_001160133.2); c.2347G>A, p.Ala783Thr (NM_001160134.2); short protein forms A783T, A893T, A903T, A912T, A884T.
Identifiers: ClinVar variation 2124444 (VCV002124444.4), dbSNP rs1014786292, ClinGen allele CA140918597.